The following is an entry in ClinVar:

NM_001388453.1(QRICH2):c.5079G>A (p.Leu1693=)

Gene: QRICH2 (glutamine rich 2; minus strand). Cytogenetic location: 17q25.1.
Variant type: single nucleotide variant.
Coding change: c.5079G>A on transcript NM_001388453.1 (MANE Select); coding-DNA position 5079, G replaced by A.
Protein change: p.Leu1693=; no amino-acid change (leucine 1693 retained).
Molecular consequence: synonymous variant. On other transcripts: non-coding transcript variant (1).
Genome position (GRCh38, 1-based): chr17:76,278,027, C>T on the plus strand (G>A on the coding strand, the complement: QRICH2 is on the minus strand). VCF-style: chr17-76278027-C-T. GRCh37 (hg19) VCF-style: chr17-74274108-C-T.
Other names: c.5079G>A, p.Leu1693= (NM_032134.3).
Identifiers: ClinVar variation 2648302 (VCV002648302.24), dbSNP rs373025553, ClinGen allele CA8783263.
Genomic context (GRCh38, chr17:76,278,027, plus strand): 5'-GCCTCGCCCGCCTCTCCTGTACCGTTTGTAGCAGGGGGAGCCCAGGCACTGGGCGTGCAG[C>T]AGCTCGCGGATTATCTGGCTGCTGGCCTTGGTGGAGCCCCCGAAGTGGATCTGCACCTTC-3'
Protein context (NP_001375382.1, residues 1683-1703): TKASSQIIRE[Leu1693=]LHAQCLGSPC

ClinVar aggregate classification (germline): Likely benign (1 of 4 stars; one submission).

Allele frequency attached by ClinVar (database versions not stated): ESP Exome Variant Server 0.00008; gnomAD 0.00009; gnomAD exomes 0.00010; TOPMed 0.00009; ExAC 0.00010.
gnomAD v4.1: 150 of 1,613,366 alleles (0.0093%); highest among the groups gnomAD compares: East Asian, 0.018%; no homozygotes.

Submission:

CeGaT Center for Human Genetics Tuebingen
Classification: Likely benign. Last evaluated: 2022-09-01. Review status: criteria provided, single submitter. Criteria: CeGaT Center For Human Genetics Tuebingen Variant Classification Criteria Version 2. Collection method: clinical testing. Allele origin: germline. Affected: yes. Observed: 2 variant alleles.
Comment: QRICH2: BP4, BP7